The following is an entry in ClinVar:

NM_003392.7(WNT5A):c.-7C>T

Gene: WNT5A (Wnt family member 5A; minus strand). Cytogenetic location: 3p14.3.
Variant type: single nucleotide variant.
Coding change: c.-7C>T on transcript NM_003392.7 (MANE Select); 7 bases upstream of the start codon, C replaced by T.
Molecular consequence: 5 prime UTR variant.
Genome position (GRCh38, 1-based): chr3:55,486,992, G>A on the plus strand (C>T on the coding strand, the complement: WNT5A is on the minus strand). VCF-style: chr3-55486992-G-A. GRCh37 (hg19) VCF-style: chr3-55521020-G-A.
Identifiers: ClinVar variation 3051031 (VCV003051031.2), dbSNP rs376719937, ClinGen allele CA2459172.

ClinVar aggregate classification (germline): Likely benign (0 of 4 stars; one submission).

Conditions:
WNT5A-related disorder. Also called: WNT5A-related condition.

Allele frequency attached by ClinVar (database versions not stated): ExAC 0.00005; ESP Exome Variant Server 0.00008; gnomAD 0.00004; TOPMed 0.00004.
gnomAD v4.1: 131 of 1,611,564 alleles (0.0081%); highest among the groups gnomAD compares: Non-Finnish European, 0.011%; no homozygotes.

Submission:

PreventionGenetics, part of Exact Sciences
Classification: Likely benign for WNT5A-related condition. Last evaluated: 2023-01-05. Review status: no assertion criteria provided. Collection method: clinical testing. Allele origin: germline.
Comment: This variant is classified as likely benign based on ACMG/AMP sequence variant interpretation guidelines (Richards et al. 2015 PMID: 25741868, with internal and published modifications).